The following is an entry in ClinVar:

ClinVar aggregate classification (germline): Pathogenic. Review status: criteria provided, multiple submitters, no conflicts (2 of 4 stars). 3 submissions from 3 submitters: Pathogenic (2). 1 of the submissions does not count toward it. Last evaluated 2024-01-26.

Conditions:
Granulomatous disease, chronic, autosomal recessive, cytochrome b-positive, type 2. Also called: CGD, AUTOSOMAL RECESSIVE CYTOCHROME b-POSITIVE, TYPE II; Chronic Granulomatous Disease, Autosomal Recessive, Cytochrome b-Positive, Type II; GRANULOMATOUS DISEASE, CHRONIC, DUE TO NCF2 DEFICIENCY; GRANULOMATOUS DISEASE, CHRONIC, AUTOSOMAL RECESSIVE, 2; Chronic granulomatous disease due to deficiency of NCF-2. Identifiers: Orphanet 379, MedGen C1856245, MONDO:0009310, OMIM 233710.

Submissions (3):

Labcorp Genetics (formerly Invitae), Labcorp
Classification: Pathogenic for Granulomatous disease, chronic, autosomal recessive, cytochrome b-positive, type 2. Last evaluated: 2024-01-26. Review status: criteria provided, single submitter. Criteria: Invitae Variant Classification Sherloc (09022015). Collection method: clinical testing. Allele origin: germline.
Comment: This variant, c.55_63del, results in the deletion of 3 amino acid(s) of the NCF2 protein (p.Lys19_Asp21del), but otherwise preserves the integrity of the reading frame. This variant is present in population databases (rs796065033, gnomAD 0.003%). This variant has been observed in individual(s) with chronic granulomatous disease (PMID: 10498624, 10598813, 18625437; Invitae). In at least one individual the data is consistent with being in trans (on the opposite chromosome) from a pathogenic variant. ClinVar contains an entry for this variant (Variation ID: 2245). For these reasons, this variant has been classified as Pathogenic.

GeneDx
Classification: Pathogenic. Last evaluated: 2019-08-27. Review status: criteria provided, single submitter. Criteria: GeneDx Variant Classification Process June 2021. Collection method: clinical testing. Allele origin: germline. Affected: yes.
Comment: In-frame deletion of 3 amino acids in a non-repeat region; Not observed at a significant frequency in large population cohorts (Lek et al., 2016); In silico analysis, which includes protein predictors and evolutionary conservation, supports a deleterious effect; This variant is associated with the following publications: (PMID: 18625437, 20167518, 10598813, 10498624, 32040803)

OMIM
Classification: Pathogenic for GRANULOMATOUS DISEASE, CHRONIC, AUTOSOMAL RECESSIVE, 2. Last evaluated: 1999-10-01. Review status: no assertion criteria provided. Collection method: literature only. Allele origin: germline. Not counted in ClinVar's aggregate classification.

Literature cited by the submitters: PubMed 10498624 (cited by Labcorp Genetics (formerly Invitae), Labcorp and OMIM); PubMed 10598813 (cited by Labcorp Genetics (formerly Invitae), Labcorp); PubMed 18625437 (cited by Labcorp Genetics (formerly Invitae), Labcorp).

NM_000433.4(NCF2):c.55_63del (p.Lys19_Asp21del)

Gene: NCF2 (neutrophil cytosolic factor 2; minus strand). Cytogenetic location: 1q25.3.
Variant type: Deletion.
Coding change: c.55_63del on transcript NM_000433.4 (MANE Select); coding-DNA positions 55 to 63, 9 bases deleted (AAGAAGGAC; older notation c.55_63delAAGAAGGAC).
Protein change: p.Lys19_Asp21del.
Molecular consequence: inframe deletion.
Genome position (GRCh38, 1-based): chr1:183,590,267-183,590,275, GTCCTTCTT deleted on the plus strand (AAGAAGGAC on the coding strand, the reverse complement: NCF2 is on the minus strand); deleting any 9 consecutive bases within chr1:183,590,267-183,590,279 gives the same sequence; the c. name uses the placement nearest the transcript's 3' end. VCF-style (leftmost placement, unchanged base first): chr1-183590266-AGTCCTTCTT-A. GRCh37 (hg19) VCF-style: chr1-183559401-AGTCCTTCTT-A.
Other names: c.55_63delAAGAAGGAC (NM_000433.3); c.55_63del, p.Lys19_Asp21del (NM_001127651.3, NM_001190789.2, NM_001190794.2).
Identifiers: ClinVar variation 2245 (VCV000002245.13), dbSNP rs796065033, ClinGen allele CA212794.